The following is an entry in ClinVar:

ClinVar aggregate classification (germline): Likely pathogenic. Review status: criteria provided, single submitter (1 of 4 stars). 2 submissions from 1 submitter: Likely pathogenic (2). Last evaluated 2021-11-18.

Conditions:
Generalized epilepsy with febrile seizures plus, type 2 (GEFSP2). Also called: GEFS+, TYPE 2. Identifiers: Orphanet 36387, MedGen C1858673, MONDO:0011461, OMIM 604403.
Severe myoclonic epilepsy in infancy (DRVT). Also called: Dravet syndrome; Epileptic encephalopathy, early infantile, 6 (Dravet syndrome); Severe Myoclonic Epilepsy in Infancy (SMEI); SEVERE MYOCLONIC EPILEPSY OF INFANCY; DEVELOPMENTAL AND EPILEPTIC ENCEPHALOPATHY 6A. Identifiers: Orphanet 33069, MedGen C0751122, MONDO:0100135, OMIM 607208.

Submissions (2):

Institute of Human Genetics, University of Leipzig Medical Center
Classification: Likely pathogenic for Severe myoclonic epilepsy in infancy. Last evaluated: 2021-11-18. Review status: criteria provided, single submitter. Criteria: ACMG Guidelines, 2015. Collection method: clinical testing. Allele origin: unknown. Inheritance: Autosomal dominant inheritance. Affected: yes.

Institute of Human Genetics, University of Leipzig Medical Center
Classification: Likely pathogenic for Generalized epilepsy with febrile seizures plus, type 2. Last evaluated: 2021-10-18. Review status: criteria provided, single submitter. Criteria: ACMG Guidelines, 2015. Collection method: clinical testing. Allele origin: unknown. Affected: yes.
Comment: _x000D_ Criteria applied: PVS1, PM2_SUP

NM_001165963.4(SCN1A):c.1465_1480del (p.Ser490fs)

Gene: SCN1A (sodium voltage-gated channel alpha subunit 1; minus strand). Cytogenetic location: 2q24.3.
Variant type: Deletion.
Coding change: c.1465_1480del on transcript NM_001165963.4 (MANE Select); coding-DNA positions 1465 to 1480, 16 bases deleted (TTGAGTTCCAAGAGTG).
Protein change: p.Ser490fs; shifts the reading frame from serine 490.
Molecular consequence: frameshift variant. On other transcripts: 5 prime UTR variant (1), non-coding transcript variant (1).
Genome position (GRCh38, 1-based): chr2:166,045,225-166,045,240, CACTCTTGGAACTCAA deleted on the plus strand (TTGAGTTCCAAGAGTG on the coding strand, the reverse complement: SCN1A is on the minus strand); deleting any 16 consecutive bases within chr2:166,045,225-166,045,241 gives the same sequence; the c. name uses the placement nearest the transcript's 3' end. VCF-style (leftmost placement, unchanged base first): chr2-166045224-GCACTCTTGGAACTCAA-G. GRCh37 (hg19) VCF-style: chr2-166901734-GCACTCTTGGAACTCAA-G.
Other names: c.1465_1480del, p.Ser490fs (NM_001165964.3, NM_001202435.3, NM_001353948.2 and 7 more transcripts); c.1462_1477del, p.Ser489fs (NM_001353954.2, NM_001353955.2, NM_001353960.2); c.-961_-946del (NM_001353961.2); short protein forms S489fs, S490fs.
Identifiers: ClinVar variation 1325851 (VCV001325851.3), dbSNP rs2105851922, ClinGen allele CA2573051708.